The following is an entry in ClinVar:

NM_014874.4(MFN2):c.2232G>C (p.Glu744Asp)

Gene: MFN2 (mitofusin 2; plus strand). Cytogenetic location: 1p36.22.
Variant type: single nucleotide variant.
Coding change: c.2232G>C on transcript NM_014874.4 (MANE Select); coding-DNA position 2232, G replaced by C.
Protein change: p.Glu744Asp; replaces glutamic acid 744 with aspartic acid.
Molecular consequence: missense variant.
Genome position (GRCh38, 1-based): chr1:12,011,523, G>C. VCF-style: chr1-12011523-G-C. GRCh37 (hg19) VCF-style: chr1-12071580-G-C.
Other names: c.2232G>C, p.Glu744Asp (NM_001127660.2); short protein forms E744D.
Identifiers: ClinVar variation 941426 (VCV000941426.9), dbSNP rs756693072, ClinGen allele CA338454360.

ClinVar aggregate classification (germline): Likely pathogenic (1 of 4 stars; one submission).

Conditions:
Charcot-Marie-Tooth disease type 2. Also called: Charcot-Marie-Tooth type 2. Identifiers: Orphanet 64746, MedGen C0270914, MONDO:0018993.

Submission:

Labcorp Genetics (formerly Invitae), Labcorp
Classification: Likely pathogenic for Charcot-Marie-Tooth disease type 2. Last evaluated: 2024-05-09. Review status: criteria provided, single submitter. Criteria: Invitae Variant Classification Sherloc (09022015). Collection method: clinical testing. Allele origin: germline.
Comment: This sequence change replaces glutamic acid, which is acidic and polar, with aspartic acid, which is acidic and polar, at codon 744 of the MFN2 protein (p.Glu744Asp). This variant is not present in population databases (gnomAD no frequency). This missense change has been observed in individuals with Charcot-Marie-Tooth disease (Invitae). ClinVar contains an entry for this variant (Variation ID: 941426). Advanced modeling of protein sequence and biophysical properties (such as structural, functional, and spatial information, amino acid conservation, physicochemical variation, residue mobility, and thermodynamic stability) performed at Invitae indicates that this missense variant is expected to disrupt MFN2 protein function with a positive predictive value of 80%. This variant disrupts the p.Glu744 amino acid residue in MFN2. Other variant(s) that disrupt this residue have been determined to be pathogenic (PMID: 24863639; Invitae). This suggests that this residue is clinically significant, and that variants that disrupt this residue are likely to be disease-causing. In summary, the currently available evidence indicates that the variant is pathogenic, but additional data are needed to prove that conclusively. Therefore, this variant has been classified as Likely Pathogenic.

Literature cited by the submitters: PubMed 24863639.